The following is an entry in ClinVar:

ClinVar aggregate classification (germline): Uncertain significance (1 of 4 stars; one submission).

gnomAD v4.1: 8 of 1,612,648 alleles (0.0005%); highest among the groups gnomAD compares: South Asian, 0.0088%; no homozygotes.

Submission:

GeneDx
Classification: Uncertain significance. Last evaluated: 2025-07-09. Review status: criteria provided, single submitter. Criteria: GeneDx Variant Classification Process June 2021. Collection method: clinical testing. Allele origin: germline. Affected: yes.
Comment: Not observed at significant frequency in large population cohorts (gnomAD); In silico analysis suggests that this missense variant does not alter protein structure/function; Has not been previously published as pathogenic or benign to our knowledge

NM_152743.4(BRAT1):c.1022T>A (p.Leu341Gln)

Gene: BRAT1 (BRCA1 associated ATM activator 1; minus strand). Cytogenetic location: 7p22.3.
Variant type: single nucleotide variant.
Coding change: c.1022T>A on transcript NM_152743.4 (MANE Select); coding-DNA position 1022, T replaced by A.
Protein change: p.Leu341Gln; replaces leucine 341 with glutamine.
Molecular consequence: missense variant. On other transcripts: non-coding transcript variant (1).
Genome position (GRCh38, 1-based): chr7:2,541,830, A>T on the plus strand (T>A on the coding strand, the complement: BRAT1 is on the minus strand). VCF-style: chr7-2541830-A-T. GRCh37 (hg19) VCF-style: chr7-2581464-A-T.
Other names: c.1022T>A, p.Leu341Gln (NM_001350626.2); c.497T>A, p.Leu166Gln (NM_001350627.2); short protein forms L166Q, L341Q.
Identifiers: ClinVar variation 4685271 (VCV004685271.1).